The following is an entry in ClinVar:

NM_000400.4(ERCC2):c.1691A>C (p.Asn564Thr)

Gene: ERCC2 (ERCC excision repair 2, TFIIH core complex helicase subunit; minus strand). Cytogenetic location: 19q13.32.
Variant type: single nucleotide variant.
Coding change: c.1691A>C on transcript NM_000400.4 (MANE Select); coding-DNA position 1691, A replaced by C.
Protein change: p.Asn564Thr; replaces asparagine 564 with threonine.
Molecular consequence: missense variant.
Genome position (GRCh38, 1-based): chr19:45,353,309, T>G on the plus strand (A>C on the coding strand, the complement: ERCC2 is on the minus strand). VCF-style: chr19-45353309-T-G. GRCh37 (hg19) VCF-style: chr19-45856567-T-G.
Other names: short protein forms N564T.
Identifiers: ClinVar variation 2566675 (VCV002566675.2), dbSNP rs761029037, ClinGen allele CA9513141.

ClinVar aggregate classification (germline): Uncertain significance (1 of 4 stars; one submission).

Conditions:
Inborn genetic diseases. Identifiers: MedGen C0950123, MeSH D030342.

Allele frequency attached by ClinVar (database versions not stated): gnomAD exomes below 0.00001; ExAC 0.00001; gnomAD 0.00001.
gnomAD v4.1: 4 of 1,613,838 alleles (0.00025%); highest among the groups gnomAD compares: South Asian, 0.0011%; no homozygotes.

Submission:

Ambry Genetics
Classification: Uncertain significance for Inborn genetic diseases. Last evaluated: 2023-03-17. Review status: criteria provided, single submitter. Criteria: Ambry Variant Classification Scheme 2023. Collection method: clinical testing. Allele origin: germline.
Comment: The p.N564T variant (also known as c.1691A>C), located in coding exon 18 of the ERCC2 gene, results from an A to C substitution at nucleotide position 1691. The asparagine at codon 564 is replaced by threonine, an amino acid with similar properties. This amino acid position is conserved. In addition, the in silico prediction for this alteration is inconclusive. Since supporting evidence is limited at this time, the clinical significance of this alteration remains unclear.